The following is an entry in ClinVar:

NC_000017.10:g.(?_41201118)_(41203154_?)del

Gene: BRCA1 (BRCA1 DNA repair associated; minus strand). Cytogenetic location: 17q21.31.
Variant type: Deletion.
Identifiers: ClinVar variation 1069350 (VCV001069350.2).

ClinVar aggregate classification (germline): Pathogenic (1 of 4 stars; one submission).

Conditions:
Hereditary breast ovarian cancer syndrome. Also called: Breast and ovarian cancer; BRCA1- and BRCA2-Associated Hereditary Breast and Ovarian Cancer; Hereditary breast and ovarian cancer syndrome; Hereditary breast and/or ovarian cancer syndrome; Hereditary breast and ovarian cancer; Hereditary breast and ovarian cancer syndrome (HBOC). Identifiers: Orphanet 145, MedGen C0677776, MeSH D061325, MONDO:0003582. Disease mechanism: loss of function.

Submission:

Labcorp Genetics (formerly Invitae), Labcorp
Classification: Pathogenic for Hereditary breast ovarian cancer syndrome. Last evaluated: 2022-10-24. Review status: criteria provided, single submitter. Criteria: Invitae Variant Classification Sherloc (09022015). Collection method: clinical testing. Allele origin: germline.
Comment: This variant is a gross deletion of the genomic region encompassing exon(s) 20-21 of the BRCA1 gene. This variant would be expected to be in-frame, preserving the integrity of the reading frame. A similar copy number variant has been observed in individual(s) with breast and ovarian cancer (PMID: 17561994, 21203900, 25066186, 25066507). This variant is also known as deletion of exons 21-22 by alternative exon numbering. This variant disrupts a region of the BRCA1 protein in which other variant(s) (deletion of exon 21) have been determined to be pathogenic (PMID: 9354803, 11462239, 19894111). This suggests that this is a clinically significant region of the protein, and that variants that disrupt it are likely to be disease-causing. For these reasons, this variant has been classified as Pathogenic.

Literature cited by the submitters: PubMed 17561994; PubMed 21203900; PubMed 25066186; PubMed 25066507; PubMed 9354803; PubMed 11462239; PubMed 19894111.